The following is an entry in ClinVar:

ClinVar aggregate classification (germline): Uncertain significance (1 of 4 stars; one submission).

Allele frequency attached by ClinVar (database versions not stated): ExAC 0.00001; gnomAD 0.00001; TOPMed 0.00001.
gnomAD v4.1: 4 of 1,612,122 alleles (0.00025%); highest among the groups gnomAD compares: Admixed American, 0.005%; no homozygotes.

Submission:

Labcorp Genetics (formerly Invitae), Labcorp
Classification: Uncertain significance. Last evaluated: 2025-01-13. Review status: criteria provided, single submitter. Criteria: Invitae Variant Classification Sherloc (09022015). Collection method: clinical testing. Allele origin: germline.
Comment: This sequence change replaces aspartic acid, which is acidic and polar, with glutamic acid, which is acidic and polar, at codon 248 of the KRT17 protein (p.Asp248Glu). This variant is present in population databases (rs759164750, gnomAD 0.009%). This variant has not been reported in the literature in individuals affected with KRT17-related conditions. ClinVar contains an entry for this variant (Variation ID: 1946553). Invitae Evidence Modeling of protein sequence and biophysical properties (such as structural, functional, and spatial information, amino acid conservation, physicochemical variation, residue mobility, and thermodynamic stability) has been performed for this missense variant. However, the output from this modeling did not meet the statistical confidence thresholds required to predict the impact of this variant on KRT17 protein function. In summary, the available evidence is currently insufficient to determine the role of this variant in disease. Therefore, it has been classified as a Variant of Uncertain Significance.

NM_000422.3(KRT17):c.744C>G (p.Asp248Glu)

Gene: KRT17 (keratin 17; minus strand). Cytogenetic location: 17q21.2.
Variant type: single nucleotide variant.
Coding change: c.744C>G on transcript NM_000422.3 (MANE Select); coding-DNA position 744, C replaced by G.
Protein change: p.Asp248Glu; replaces aspartic acid 248 with glutamic acid.
Molecular consequence: missense variant.
Genome position (GRCh38, 1-based): chr17:41,621,683, G>C on the plus strand (C>G on the coding strand, the complement: KRT17 is on the minus strand). VCF-style: chr17-41621683-G-C. GRCh37 (hg19) VCF-style: chr17-39777935-G-C.
Other names: short protein forms D248E.
Identifiers: ClinVar variation 1946553 (VCV001946553.5), dbSNP rs759164750, ClinGen allele CA8563621.